The following is an entry in ClinVar:

ClinVar aggregate classification (germline): Uncertain significance. Review status: criteria provided, multiple submitters, no conflicts (2 of 4 stars). 2 submissions from 2 submitters: Uncertain significance (2). Last evaluated 2026-01-26.

Conditions:
Hereditary cancer-predisposing syndrome. Also called: Neoplastic Syndromes, Hereditary; Hereditary neoplastic syndrome; Tumor predisposition; Hereditary Cancer Syndrome. Identifiers: Orphanet 140162, MedGen C0027672, MeSH D009386, MONDO:0015356.
EGFR-related lung cancer (EGFR). Identifiers: MedGen CN130014.

gnomAD v4.1: 1 of 1,614,014 alleles (0.000062%); highest among the groups gnomAD compares: Admixed American, 0.0017%; no homozygotes.

Submissions (2):

Ambry Genetics
Classification: Uncertain significance for Hereditary cancer-predisposing syndrome. Last evaluated: 2026-01-26. Review status: criteria provided, single submitter. Criteria: Ambry Variant Classification Scheme 2023. Collection method: clinical testing. Allele origin: germline.
Comment: The p.G63E variant (also known as c.188G>A), located in coding exon 2 of the EGFR gene, results from a G to A substitution at nucleotide position 188. The glycine at codon 63 is replaced by glutamic acid, an amino acid with similar properties. This amino acid position is well conserved in available vertebrate species. In addition, this alteration is predicted to be deleterious by in silico analysis. Based on the available evidence, the clinical significance of this variant remains unclear.

Labcorp Genetics (formerly Invitae), Labcorp
Classification: Uncertain significance for EGFR-related lung cancer. Last evaluated: 2026-01-26. Review status: criteria provided, single submitter. Criteria: Invitae Variant Classification Sherloc (09022015). Collection method: clinical testing. Allele origin: germline.
Comment: This sequence change replaces glycine, which is neutral and non-polar, with glutamic acid, which is acidic and polar, at codon 63 of the EGFR protein (p.Gly63Glu). This variant is not present in population databases (gnomAD no frequency). This variant has not been reported in the literature in individuals affected with EGFR-related conditions. Invitae Evidence Modeling of protein sequence and biophysical properties (such as structural, functional, and spatial information, amino acid conservation, physicochemical variation, residue mobility, and thermodynamic stability) indicates that this missense variant is not expected to disrupt EGFR protein function with a negative predictive value of 80%. In summary, the available evidence is currently insufficient to determine the role of this variant in disease. Therefore, it has been classified as a Variant of Uncertain Significance.

NM_005228.5(EGFR):c.188G>A (p.Gly63Glu)

Gene: EGFR (epidermal growth factor receptor; plus strand). Cytogenetic location: 7p11.2.
Variant type: single nucleotide variant.
Coding change: c.188G>A on transcript NM_005228.5 (MANE Select); coding-DNA position 188, G replaced by A.
Protein change: p.Gly63Glu; replaces glycine 63 with glutamic acid.
Molecular consequence: missense variant. On other transcripts: intron variant (1).
Genome position (GRCh38, 1-based): chr7:55,142,385, G>A. VCF-style: chr7-55142385-G-A. GRCh37 (hg19) VCF-style: chr7-55210078-G-A.
Other names: c.188G>A, p.Gly63Glu (NM_201284.2, NM_001346897.2, NM_001346898.2 and 3 more transcripts); c.89-13445G>A (NM_001346941.2); c.29G>A, p.Gly10Glu (NM_001346900.2); short protein forms G10E, G63E.
Identifiers: ClinVar variation 4747786 (VCV004747786.2).